The following is an entry in ClinVar:

ClinVar aggregate classification (germline): Benign. Review status: criteria provided, multiple submitters, no conflicts (2 of 4 stars). 2 submissions from 2 submitters: Benign (2). Last evaluated 2018-01-12.

Conditions:
Autosomal recessive distal renal tubular acidosis. Identifiers: Orphanet 402041, MedGen C1864498, MONDO:0018440.

Allele frequency attached by ClinVar (database versions not stated): gnomAD exomes 0.01493; 1000 Genomes Project 0.03255; 1000 Genomes Project 30x 0.03264; gnomAD 0.04061 and 0.04265; TOPMed 0.04305.
gnomAD v4.1: 6,158 of 152,558 alleles (4%); highest among the groups gnomAD compares: African/African-American, 7.4%; 157 homozygotes.

Submissions (2):

Illumina Laboratory Services, Illumina
Classification: Benign for Renal tubular acidosis, distal, 3, with or without sensorineural hearing loss. Last evaluated: 2018-01-12. Review status: criteria provided, single submitter. Criteria: ICSL Variant Classification Criteria 13 December 2019. Collection method: clinical testing. Allele origin: germline.
Comment: This variant was observed in the ICSL laboratory as part of a predisposition screen in an ostensibly healthy population. It had not been previously curated by ICSL or reported in the Human Gene Mutation Database (HGMD: prior to June 1st, 2018), and was therefore a candidate for classification through an automated scoring system. Utilizing variant allele frequency, disease prevalence and penetrance estimates, and inheritance mode, an automated score was calculated to assess if this variant is too frequent to cause the disease. Based on the score and internal cut-off values, a variant classified as benign is not then subjected to further curation. The score for this variant resulted in a classification of benign for this disease.

Breakthrough Genomics
Classification: Benign. Review status: criteria provided, single submitter. Criteria: ACMG Guidelines, 2015. Collection method: not provided. Allele origin: germline. Inheritance: Autosomal recessive inheritance. Affected: yes.

NM_020632.3(ATP6V0A4):c.-25C>G

Gene: ATP6V0A4 (ATPase H+ transporting V0 subunit a4; minus strand). Cytogenetic location: 7q34.
Variant type: single nucleotide variant.
Coding change: c.-25C>G on transcript NM_020632.3 (MANE Select); 25 bases upstream of the start codon, C replaced by G.
Molecular consequence: 5 prime UTR variant. On other transcripts: intron variant (1).
Genome position (GRCh38, 1-based): chr7:138,786,165, G>C on the plus strand (C>G on the coding strand, the complement: ATP6V0A4 is on the minus strand). VCF-style: chr7-138786165-G-C. GRCh37 (hg19) VCF-style: chr7-138470910-G-C.
Other names: c.-18+11869C>G (NM_130840.3).
Identifiers: ClinVar variation 359033 (VCV000359033.6), dbSNP rs35301422, ClinGen allele CA10625353.